The following is an entry in ClinVar:

ClinVar aggregate classification (germline): Uncertain significance. Review status: criteria provided, multiple submitters, no conflicts (2 of 4 stars). 2 submissions from 2 submitters: Uncertain significance (2). Last evaluated 2025-08-13.

Conditions:
Inborn genetic diseases. Identifiers: MedGen C0950123, MeSH D030342.
Developmental and epileptic encephalopathy, 21 (DEE21). Also called: Early infantile epileptic encephalopathy 21. Identifiers: Orphanet 442835, MedGen C4014430, MONDO:0014360, OMIM 615833.

Allele frequency attached by ClinVar (database versions not stated): gnomAD exomes below 0.00001; gnomAD 0.00001; TOPMed 0.00002.
gnomAD v4.1: 3 of 1,614,052 alleles (0.00019%); highest among the groups gnomAD compares: Admixed American, 0.0033%; no homozygotes.

Submissions (2):

Ambry Genetics
Classification: Uncertain significance for Inborn genetic diseases. Last evaluated: 2025-08-13. Review status: criteria provided, single submitter. Criteria: Ambry Variant Classification Scheme 2023. Collection method: clinical testing. Allele origin: germline.

Labcorp Genetics (formerly Invitae), Labcorp
Classification: Uncertain significance for Developmental and epileptic encephalopathy, 21. Last evaluated: 2022-08-10. Review status: criteria provided, single submitter. Criteria: Invitae Variant Classification Sherloc (09022015). Collection method: clinical testing. Allele origin: germline.
Comment: This sequence change replaces proline, which is neutral and non-polar, with serine, which is neutral and polar, at codon 214 of the NECAP1 protein (p.Pro214Ser). This variant is not present in population databases (gnomAD no frequency). This variant has not been reported in the literature in individuals affected with NECAP1-related conditions. ClinVar contains an entry for this variant (Variation ID: 1489717). Algorithms developed to predict the effect of missense changes on protein structure and function (SIFT, PolyPhen-2, Align-GVGD) all suggest that this variant is likely to be tolerated. In summary, the available evidence is currently insufficient to determine the role of this variant in disease. Therefore, it has been classified as a Variant of Uncertain Significance.

NM_015509.4(NECAP1):c.640C>T (p.Pro214Ser)

Gene: NECAP1 (NECAP endocytosis associated 1; plus strand). Cytogenetic location: 12p13.31.
Variant type: single nucleotide variant.
Coding change: c.640C>T on transcript NM_015509.4 (MANE Select); coding-DNA position 640, C replaced by T.
Protein change: p.Pro214Ser; replaces proline 214 with serine.
Molecular consequence: missense variant. On other transcripts: non-coding transcript variant (1).
Genome position (GRCh38, 1-based): chr12:8,093,019, C>T. VCF-style: chr12-8093019-C-T. GRCh37 (hg19) VCF-style: chr12-8245615-C-T.
Other names: c.640C>T (NM_015509.3); short protein forms P214S.
Identifiers: ClinVar variation 1489717 (VCV001489717.4), dbSNP rs3203835, ClinGen allele CA232564096.